The following is an entry in ClinVar:

ClinVar aggregate classification (germline): Pathogenic/Likely pathogenic. Review status: criteria provided, multiple submitters, no conflicts (2 of 4 stars). 7 submissions from 7 submitters: Pathogenic (2); Likely pathogenic (4). 1 of the submissions does not count toward it. Last evaluated 2026-02-03.

Conditions:
Charcot-Marie-Tooth disease, axonal, type 2EE. Also called: CHARCOT-MARIE-TOOTH NEUROPATHY, TYPE 2EE. Identifiers: MedGen C5193076, MONDO:0032728, OMIM 618400.
Mitochondrial DNA depletion syndrome 6 (hepatocerebral type). Also called: Mitochondrial DNA depletion syndrome type 6; Navajo neurohepatopathy; NAVAJO NEUROPATHY. Identifiers: Orphanet 255229, MedGen C1850406, MONDO:0009747, OMIM 256810.
MPV17-related disorder. Also called: MPV17-related condition; MPV17-related disorders. Identifiers: MedGen CN239328.

Allele frequency attached by ClinVar (database versions not stated): gnomAD exomes 0.00001 and 0.00004; ExAC 0.00004; TOPMed 0.00012; gnomAD 0.00014 and 0.00015; 1000 Genomes Project 0.00020; 1000 Genomes Project 30x 0.00031; ESP Exome Variant Server 0.00031.
gnomAD v4.1: 35 of 1,613,626 alleles (0.0022%); highest among the groups gnomAD compares: African/African-American, 0.039%; no homozygotes.

Submissions (7):

GeneDx
Classification: Likely pathogenic. Last evaluated: 2026-02-03. Review status: criteria provided, single submitter. Criteria: GeneDx Variant Classification Process June 2021. Collection method: clinical testing. Allele origin: germline.
Comment: Canonical splice site variant predicted to result in a null allele in a gene for which loss of function is a known mechanism of disease; Has not been previously published as pathogenic or benign to our knowledge; This variant is associated with the following publications: (PMID: 23714749)

Labcorp Genetics (formerly Invitae), Labcorp
Classification: Pathogenic. Last evaluated: 2026-01-25. Review status: criteria provided, single submitter. Criteria: Invitae Variant Classification Sherloc (09022015). Collection method: clinical testing. Allele origin: germline.
Comment: This sequence change affects a donor splice site in intron 7 of the MPV17 gene. While this variant is not anticipated to result in nonsense mediated decay, it likely alters RNA splicing and results in a disrupted protein product. This variant is present in population databases (rs138199394, gnomAD 0.03%). Disruption of this splice site has been observed in individuals with mitochondrial DNA depletion syndrome (PMID: 23714749, 31664948). ClinVar contains an entry for this variant (Variation ID: 598353). Studies have shown that disruption of this splice site alters MPV17 gene expression (PMID: 31664948). Variants that disrupt the consensus splice site are a relatively common cause of aberrant splicing (PMID: 17576681, 9536098). Algorithms developed to predict the effect of sequence changes on RNA splicing suggest that this variant may disrupt the consensus splice site. This variant disrupts a region of the MPV17 protein in which other variant(s) (p.Ser170Phe) have been observed in individuals with MPV17-related conditions (PMID: 19520594). This suggests that this is a clinically significant region of the protein, and that variants that disrupt it are likely to be disease-causing. For these reasons, this variant has been classified as Pathogenic.

Baylor Genetics
Classification: Likely pathogenic for Charcot-Marie-Tooth disease, axonal, type 2EE. Last evaluated: 2024-02-20. Review status: criteria provided, single submitter. Criteria: ACMG Guidelines, 2015. Collection method: clinical testing. Allele origin: unknown.

Fulgent Genetics
Classification: Likely pathogenic for Mitochondrial DNA depletion syndrome 6 (hepatocerebral type); Charcot-Marie-Tooth disease, axonal, type 2EE. Last evaluated: 2024-01-12. Review status: criteria provided, single submitter. Criteria: ACMG Guidelines, 2015. Collection method: clinical testing. Allele origin: germline.

Mayo Clinic Laboratories, Mayo Clinic
Classification: Likely pathogenic. Last evaluated: 2023-10-20. Review status: criteria provided, single submitter. Criteria: ACMG Guidelines, 2015. Collection method: clinical testing. Allele origin: germline. Observed: 2 variant alleles.
Comment: PM2_moderate, PM5, PVS1_moderate

Eurofins Ntd Llc (ga)
Classification: Pathogenic. Last evaluated: 2018-08-16. Review status: criteria provided, single submitter. Criteria: EGL ClinVar v180209 classification definitions. Collection method: clinical testing. Allele origin: germline. Observed: 1 variant allele, 1 heterozygote.

PreventionGenetics, part of Exact Sciences
Classification: Likely pathogenic for MPV17-related condition. Last evaluated: 2024-03-11. Review status: no assertion criteria provided. Collection method: clinical testing. Allele origin: germline. Not counted in ClinVar's aggregate classification.
Comment: The MPV17 c.461+2T>C variant is predicted to disrupt the GT donor site and interfere with normal splicing. To our knowledge, this variant has not been reported in the literature. This variant is reported in 0.036% of alleles in individuals of African descent in gnomAD. Variants that disrupt the consensus splice donor site in MPV17 are expected to be pathogenic. Of note, another nucleotide change within the same consensus site (c.461+1G>C) has been reported in the homozygous state in a patient with mitochondrial DNA depletion syndrome (Uusimaa et al. 2014. PubMed ID: 23714749). Based on this evidence, the c.461+2T>C variant is interpreted as likely pathogenic.

Literature cited by the submitters: PubMed 23714749 (cited by Labcorp Genetics (formerly Invitae), Labcorp and Mayo Clinic Laboratories, Mayo Clinic); PubMed 31664948 (cited by Labcorp Genetics (formerly Invitae), Labcorp and Mayo Clinic Laboratories, Mayo Clinic); PubMed 17576681 (cited by Labcorp Genetics (formerly Invitae), Labcorp); PubMed 9536098 (cited by Labcorp Genetics (formerly Invitae), Labcorp); PubMed 19520594 (cited by Labcorp Genetics (formerly Invitae), Labcorp).

NM_002437.5(MPV17):c.461+2T>C

Gene: MPV17 (mitochondrial inner membrane protein MPV17; minus strand). Cytogenetic location: 2p23.3.
Variant type: single nucleotide variant.
Coding change: c.461+2T>C on transcript NM_002437.5 (MANE Select); the canonical splice donor site of the intron after coding-DNA position 461, T replaced by C.
Molecular consequence: splice donor variant.
Genome position (GRCh38, 1-based): chr2:27,311,897, A>G on the plus strand (T>C on the coding strand, the complement: MPV17 is on the minus strand). VCF-style: chr2-27311897-A-G. GRCh37 (hg19) VCF-style: chr2-27534765-A-G.
Other names: c.461+2T>C (NM_002437.4).
Identifiers: ClinVar variation 598353 (VCV000598353.15), dbSNP rs138199394, ClinGen allele CA1575504.
Genomic context (GRCh38, chr2:27,311,897, plus strand): 5'-TTTGTCTCCAACTGTTGGTAACGTGGGTCTTCCTTGATGGGTGGGGTAGGGGTGCAACAT[A>G]CCTGTAATGAAGGGGGACCAGGTAGAAGTTGGCTAACTGCACAGCAGGCCATAGCTGCAA-3'